The following is an entry in ClinVar:

NM_000361.3(THBD):c.1508C>T (p.Ser503Phe)

Gene: THBD (thrombomodulin; minus strand). Cytogenetic location: 20p11.21.
Variant type: single nucleotide variant.
Coding change: c.1508C>T on transcript NM_000361.3 (MANE Select); coding-DNA position 1508, C replaced by T.
Protein change: p.Ser503Phe; replaces serine 503 with phenylalanine.
Molecular consequence: missense variant.
Genome position (GRCh38, 1-based): chr20:23,047,997, G>A on the plus strand (C>T on the coding strand, the complement: THBD is on the minus strand). VCF-style: chr20-23047997-G-A. GRCh37 (hg19) VCF-style: chr20-23028634-G-A.
Other names: short protein forms S503F.
Identifiers: ClinVar variation 2996493 (VCV002996493.4), dbSNP rs1178980896, ClinGen allele CA408405381.
Genomic context (GRCh38, chr20:23,047,997, plus strand): 5'-ATGGAGATGCCTATGAGCAAGCCCGAATGCACGAGCCCCACGGCCGGAGGAGTCAAGGTG[G>A]AGCCGGGCGTCGGGCTGGGCGGGGGCTCGCCAGAGCCGCTGTCGCCACCGTCCACCTTGC-3'
Protein context (NP_000352.1, residues 493-513): GEPPPSPTPG[Ser503Phe]TLTPPAVGLV

ClinVar aggregate classification (germline): Uncertain significance. Review status: criteria provided, multiple submitters, no conflicts (2 of 4 stars). 2 submissions from 2 submitters: Uncertain significance (2). Last evaluated 2025-09-22.

Conditions:
Thrombomodulin-related bleeding disorder (THPH12). Also called: Thrombophilia due to thrombomodulin defect. Identifiers: Orphanet 436169, MedGen C3280976, MONDO:0013775, OMIM 614486.

Allele frequency attached by ClinVar (database versions not stated): gnomAD exomes below 0.00001.

Submissions (2):

Genomenon, Inc
Classification: Uncertain significance for Thrombomodulin-related bleeding disorder. Last evaluated: 2025-09-22. Review status: criteria provided, single submitter. Criteria: Genomenon Sequence Variant Interpretation Standards - Updated. Collection method: curation. Allele origin: germline. Affected: no.
Comment: THBD p.Ser503Phe (c.1508C>T) is a missense variant that changes the amino acid at residue 503 from Serine to Phenylalanine. This variant has been reported in the published literature (PMID:15842356). It is absent or not present at a significant frequency in gnomAD. In silico models agree that this variant is not damaging. In conclusion, we classify THBD p.Ser503Phe (c.1508C>T) as a variant of unknown significance.

Labcorp Genetics (formerly Invitae), Labcorp
Classification: Uncertain significance. Last evaluated: 2023-08-17. Review status: criteria provided, single submitter. Criteria: Invitae Variant Classification Sherloc (09022015). Collection method: clinical testing. Allele origin: germline.
Comment: In summary, the available evidence is currently insufficient to determine the role of this variant in disease. Therefore, it has been classified as a Variant of Uncertain Significance. Advanced modeling of protein sequence and biophysical properties (such as structural, functional, and spatial information, amino acid conservation, physicochemical variation, residue mobility, and thermodynamic stability) performed at Invitae indicates that this missense variant is not expected to disrupt THBD protein function. This variant has not been reported in the literature in individuals affected with THBD-related conditions. This variant is present in population databases (no rsID available, gnomAD 0.003%). This sequence change replaces serine, which is neutral and polar, with phenylalanine, which is neutral and non-polar, at codon 503 of the THBD protein (p.Ser503Phe).

Literature cited by the submitters: PubMed 15842356 (cited by Genomenon, Inc).